The following is an entry in ClinVar:

ClinVar aggregate classification (germline): Uncertain significance (1 of 4 stars; one submission).

Conditions:
GLUT1 deficiency syndrome 1, autosomal recessive. Identifiers: MedGen C3149117.

Submission:

Labcorp Genetics (formerly Invitae), Labcorp
Classification: Uncertain significance for GLUT1 deficiency syndrome 1, autosomal recessive. Last evaluated: 2023-12-27. Review status: criteria provided, single submitter. Criteria: Invitae Variant Classification Sherloc (09022015). Collection method: clinical testing. Allele origin: germline.
Comment: This sequence change replaces phenylalanine, which is neutral and non-polar, with leucine, which is neutral and non-polar, at codon 409 of the SLC2A1 protein (p.Phe409Leu). This variant is not present in population databases (gnomAD no frequency). This variant has not been reported in the literature in individuals affected with SLC2A1-related conditions. Advanced modeling of protein sequence and biophysical properties (such as structural, functional, and spatial information, amino acid conservation, physicochemical variation, residue mobility, and thermodynamic stability) performed at Invitae indicates that this missense variant is expected to disrupt SLC2A1 protein function with a positive predictive value of 95%. In summary, the available evidence is currently insufficient to determine the role of this variant in disease. Therefore, it has been classified as a Variant of Uncertain Significance.

NM_006516.4(SLC2A1):c.1227C>G (p.Phe409Leu)

Gene: SLC2A1 (solute carrier family 2 member 1; minus strand). Cytogenetic location: 1p34.2.
Variant type: single nucleotide variant.
Coding change: c.1227C>G on transcript NM_006516.4 (MANE Select); coding-DNA position 1227, C replaced by G.
Protein change: p.Phe409Leu; replaces phenylalanine 409 with leucine.
Molecular consequence: missense variant.
Genome position (GRCh38, 1-based): chr1:42,927,656, G>C on the plus strand (C>G on the coding strand, the complement: SLC2A1 is on the minus strand). VCF-style: chr1-42927656-G-C. GRCh37 (hg19) VCF-style: chr1-43393327-G-C.
Other names: short protein forms F409L.
Identifiers: ClinVar variation 2705914 (VCV002705914.3), dbSNP rs915920914, ClinGen allele CA339953717.